The following is an entry in ClinVar:

NM_001031710.3(KLHL7):c.1587A>G (p.Ile529Met)

Gene: KLHL7 (kelch like family member 7; plus strand). Cytogenetic location: 7p15.3.
Variant type: single nucleotide variant.
Coding change: c.1587A>G on transcript NM_001031710.3 (MANE Select); coding-DNA position 1587, A replaced by G.
Protein change: p.Ile529Met; replaces isoleucine 529 with methionine.
Molecular consequence: missense variant. On other transcripts: non-coding transcript variant (1).
Genome position (GRCh38, 1-based): chr7:23,174,124, A>G. VCF-style: chr7-23174124-A-G. GRCh37 (hg19) VCF-style: chr7-23213743-A-G.
Other names: c.1443A>G, p.Ile481Met (NM_018846.5); short protein forms I529M, I481M.
Identifiers: ClinVar variation 967283 (VCV000967283.9), dbSNP rs1325145238, ClinGen allele CA366982592.
Genomic context (GRCh38, chr7:23,174,124, plus strand): 5'-GATGGTCTCACCAATGCCATGGAAGGGTGTAACAGTGAAATGTGCAGCAGTTGGCTCTAT[A>G]GTTTATGTCTTGGCTGGTTTTCAGGGTGTTGGTCGATTAGGACACATTCTCGAATATAAT-3'
Protein context (NP_001026880.2, residues 519-539): VTVKCAAVGS[Ile529Met]VYVLAGFQGV

ClinVar aggregate classification (germline): Uncertain significance (1 of 4 stars; one submission).

Allele frequency attached by ClinVar (database versions not stated): TOPMed below 0.00001; gnomAD 0.00001.
gnomAD v4.1: 1 of 1,614,080 alleles (0.000062%); highest among the groups gnomAD compares: African/African-American, 0.0013%; no homozygotes.

Submission:

Labcorp Genetics (formerly Invitae), Labcorp
Classification: Uncertain significance. Last evaluated: 2019-10-05. Review status: criteria provided, single submitter. Criteria: Invitae Variant Classification Sherloc (09022015). Collection method: clinical testing. Allele origin: germline.
Comment: In summary, the available evidence is currently insufficient to determine the role of this variant in disease. Therefore, it has been classified as a Variant of Uncertain Significance. Algorithms developed to predict the effect of missense changes on protein structure and function are either unavailable or do not agree on the potential impact of this missense change (SIFT: "Deleterious"; PolyPhen-2: "Benign"; Align-GVGD: "Class C0"). This variant has not been reported in the literature in individuals with KLHL7-related conditions. This variant is not present in population databases (ExAC no frequency). This sequence change replaces isoleucine with methionine at codon 529 of the KLHL7 protein (p.Ile529Met). The isoleucine residue is moderately conserved and there is a small physicochemical difference between isoleucine and methionine.